The following is an entry in ClinVar:

ClinVar aggregate classification (germline): Uncertain significance (1 of 4 stars; one submission).

Conditions:
Hereditary spastic paraplegia 8 (SPG8). Also called: SPASTIC PARAPLEGIA 8, AUTOSOMAL DOMINANT. Identifiers: Orphanet 100989, MedGen C1863704, MONDO:0011339, OMIM 603563.
Ritscher-Schinzel syndrome. Also called: CRANIOCEREBELLOCARDIAC DYSPLASIA. Identifiers: Orphanet 7, MedGen C0796137, MONDO:0019078.

Allele frequency attached by ClinVar (database versions not stated): TOPMed below 0.00001.
gnomAD v4.1: 2 of 1,614,164 alleles (0.00012%); highest among the groups gnomAD compares: Non-Finnish European, 0.00017%; no homozygotes.

Submission:

Labcorp Genetics (formerly Invitae), Labcorp
Classification: Uncertain significance for Ritscher-Schinzel syndrome; Hereditary spastic paraplegia 8. Last evaluated: 2023-06-15. Review status: criteria provided, single submitter. Criteria: Invitae Variant Classification Sherloc (09022015). Collection method: clinical testing. Allele origin: germline.
Comment: This variant is not present in population databases (gnomAD no frequency). This sequence change replaces aspartic acid, which is acidic and polar, with asparagine, which is neutral and polar, at codon 1072 of the WASHC5 protein (p.Asp1072Asn). This variant has not been reported in the literature in individuals affected with WASHC5-related conditions. In summary, the available evidence is currently insufficient to determine the role of this variant in disease. Therefore, it has been classified as a Variant of Uncertain Significance. Advanced modeling of protein sequence and biophysical properties (such as structural, functional, and spatial information, amino acid conservation, physicochemical variation, residue mobility, and thermodynamic stability) performed at Invitae indicates that this missense variant is expected to disrupt WASHC5 protein function. ClinVar contains an entry for this variant (Variation ID: 2159249). This missense change has been observed in at least one individual who was not affected with WASHC5-related conditions (Invitae).

NM_014846.4(WASHC5):c.3214G>A (p.Asp1072Asn)

Genes: WASHC5 (WASH complex subunit 5; minus strand), LOC126860498 (P300/CBP strongly-dependent group 1 enhancer GRCh37_chr8:126043836-126045035; plus strand). Cytogenetic location: 8q24.13.
Variant type: single nucleotide variant.
Coding change: c.3214G>A on transcript NM_014846.4 (MANE Select); coding-DNA position 3214, G replaced by A.
Protein change: p.Asp1072Asn; replaces aspartic acid 1072 with asparagine.
Molecular consequence: missense variant.
Genome position (GRCh38, 1-based): chr8:125,032,362, C>T on the plus strand (G>A on the coding strand, the complement: WASHC5 is on the minus strand). VCF-style: chr8-125032362-C-T. GRCh37 (hg19) VCF-style: chr8-126044604-C-T.
Other names: c.2770G>A, p.Asp924Asn (NM_001330609.2); short protein forms D1072N, D924N.
Identifiers: ClinVar variation 2159249 (VCV002159249.4), dbSNP rs1815568274, ClinGen allele CA372182081.